The following is an entry in ClinVar:

ClinVar aggregate classification (germline): Likely benign (1 of 4 stars; one submission).

Allele frequency attached by ClinVar (database versions not stated): 1000 Genomes Project 0.04133; 1000 Genomes Project 30x 0.05262.
gnomAD v4.1: 2,380 of 53,688 alleles (4.4%); highest among the groups gnomAD compares: East Asian, 23%; 114 homozygotes.

Submission:

GeneDx
Classification: Likely benign. Last evaluated: 2018-06-16. Review status: criteria provided, single submitter. Criteria: GeneDx Variant Classification (06012015). Collection method: clinical testing. Allele origin: germline. Affected: yes.
Comment: This variant is considered likely benign or benign based on one or more of the following criteria: it is a conservative change, it occurs at a poorly conserved position in the protein, it is predicted to be benign by multiple in silico algorithms, and/or has population frequency not consistent with disease.

NM_001035.3(RYR2):c.6555+330G>A

Gene: RYR2 (ryanodine receptor 2; plus strand). Cytogenetic location: 1q43.
Variant type: single nucleotide variant.
Coding change: c.6555+330G>A on transcript NM_001035.3 (MANE Select); 330 bases into the intron after coding-DNA position 6555, G replaced by A.
Molecular consequence: intron variant.
Genome position (GRCh38, 1-based): chr1:237,631,871, G>A. VCF-style: chr1-237631871-G-A. GRCh37 (hg19) VCF-style: chr1-237795171-G-A.
Identifiers: ClinVar variation 671215 (VCV000671215.1), dbSNP rs565435952, ClinGen allele CA39842769.